The following is an entry in ClinVar:

ClinVar aggregate classification (germline): Benign (1 of 4 stars; one submission).

Allele frequency attached by ClinVar (database versions not stated): 1000 Genomes Project 0.81829; 1000 Genomes Project 30x 0.82792; gnomAD 0.83175 and 0.83393; TOPMed 0.84122.

Submission:

GeneDx
Classification: Benign. Last evaluated: 2018-06-14. Review status: criteria provided, single submitter. Criteria: GeneDx Variant Classification (06012015). Collection method: clinical testing. Allele origin: germline. Affected: yes.
Comment: This variant is considered likely benign or benign based on one or more of the following criteria: it is a conservative change, it occurs at a poorly conserved position in the protein, it is predicted to be benign by multiple in silico algorithms, and/or has population frequency not consistent with disease.

NM_001166114.2(PNPLA6):c.3093+265A>G

Gene: PNPLA6 (patatin like domain 6, lysophospholipase; plus strand). Cytogenetic location: 19p13.2.
Variant type: single nucleotide variant.
Coding change: c.3093+265A>G on transcript NM_001166114.2 (MANE Select); 265 bases into the intron after coding-DNA position 3093, A replaced by G.
Molecular consequence: intron variant.
Genome position (GRCh38, 1-based): chr19:7,556,028, A>G. VCF-style: chr19-7556028-A-G. GRCh37 (hg19) VCF-style: chr19-7620914-A-G.
Other names: c.2979+265A>G (NM_006702.5, NM_001166113.1); c.2898+265A>G (NM_001166112.2); c.3123+265A>G (NM_001166111.2).
Identifiers: ClinVar variation 680709 (VCV000680709.1), dbSNP rs2432261, ClinGen allele CA14706974.
Genomic context (GRCh38, chr19:7,556,028, plus strand): 5'-CCCATAACCCCCAACGAGAGCACCCAGGGCCCTTGGTGACCACCTTGTGGATGGCCTTGG[A>G]TGACCACATCATCCCTAAGTGTTCCTTTTTTTTTTTTTTTTTTTTTTTTTTTGAGACTGA-3'